The following is an entry in ClinVar:

NM_139137.4(KCNC2):c.653del (p.Leu218fs)

Gene: KCNC2 (potassium voltage-gated channel subfamily C member 2; minus strand). Cytogenetic location: 12q21.1.
Variant type: Deletion.
Coding change: c.653del on transcript NM_139137.4 (MANE Select); coding-DNA position 653, one base deleted (T; older notation c.653delT).
Protein change: p.Leu218fs; shifts the reading frame from leucine 218.
Molecular consequence: frameshift variant. On other transcripts: non-coding transcript variant (2).
Genome position (GRCh38, 1-based): chr12:75,207,331, A deleted on the plus strand (T on the coding strand, the reverse complement: KCNC2 is on the minus strand). VCF-style (leftmost placement, unchanged base first): chr12-75207330-GA-G. GRCh37 (hg19) VCF-style: chr12-75601110-GA-G.
Other names: c.653del, p.Leu218fs (NM_001260497.2, NM_001260498.2, NM_001260499.2 and 13 more transcripts); c.653delT (NM_139137.4); short protein forms L218fs.
Identifiers: ClinVar variation 3907485 (VCV003907485.1).
Genomic context (GRCh38, chr12:75,207,330, plus strand): 5'-CAGGGAAGGGGTCGATTCTGGCCTTACCCTGGCGGCTCTGGACGAGTAGGGGTCTTCGAA[GA>G]GGGCCCACATGCGGGGCTGCAGCCTCCTCCAGCGGCCAGATTTGCCGTCGGGGCCCCCGA-3'

ClinVar aggregate classification (germline): Uncertain significance (1 of 4 stars; one submission).

Submission:

Women's Health and Genetics/Laboratory Corporation of America, LabCorp
Classification: Uncertain significance. Last evaluated: 2025-06-01. Review status: criteria provided, single submitter. Criteria: LabCorp Variant Classification Summary - May 2015. Collection method: clinical testing. Allele origin: germline.
Comment: Variant summary: KCNC2 c.653delT (p.Leu218ProfsX65) results in a premature termination codon, predicted to cause a truncation of the encoded protein or absence of the protein due to nonsense mediated decay, however current evidence is not sufficient to establish loss of function as a mechanism for disease. The variant was absent in 180716 control chromosomes. The available data on variant occurrences in the general population are insufficient to allow any conclusion about variant significance. To our knowledge, no occurrence of c.653delT in individuals affected with Developmental And Epileptic Encephalopathy 103 and no experimental evidence demonstrating its impact on protein function have been reported. No submitters have cited clinical-significance assessments for this variant to ClinVar. Based on the evidence outlined above, the variant was classified as uncertain significance.